The following is an entry in ClinVar:

ClinVar aggregate classification (germline): Uncertain significance (1 of 4 stars; one submission).

Submission:

GeneDx
Classification: Uncertain significance. Last evaluated: 2024-03-15. Review status: criteria provided, single submitter. Criteria: GeneDx Variant Classification Process June 2021. Collection method: clinical testing. Allele origin: germline. Affected: yes.
Comment: In silico analysis supports that this missense variant does not alter protein structure/function; Has not been previously published as pathogenic or benign to our knowledge

NM_004447.6(EPS8):c.1390G>A (p.Ala464Thr)

Gene: EPS8 (EGFR pathway substrate 8, signaling adaptor; minus strand). Cytogenetic location: 12p12.3.
Variant type: single nucleotide variant.
Coding change: c.1390G>A on transcript NM_004447.6 (MANE Select); coding-DNA position 1390, G replaced by A.
Protein change: p.Ala464Thr; replaces alanine 464 with threonine.
Molecular consequence: missense variant. On other transcripts: non-coding transcript variant (3).
Genome position (GRCh38, 1-based): chr12:15,650,867, C>T on the plus strand (G>A on the coding strand, the complement: EPS8 is on the minus strand). VCF-style: chr12-15650867-C-T. GRCh37 (hg19) VCF-style: chr12-15803801-C-T.
Other names: c.1390G>A, p.Ala464Thr (NM_001413831.1, NM_001413832.1, NM_001413833.1 and 2 more transcripts); c.1150G>A, p.Ala384Thr (NM_001413835.1, NM_001413836.1); c.973G>A, p.Ala325Thr (NM_001413837.1); c.610G>A, p.Ala204Thr (NM_001413838.1); short protein forms A204T, A325T, A384T, A464T.
Identifiers: ClinVar variation 3370966 (VCV003370966.1).